The following is an entry in ClinVar:

ClinVar aggregate classification (germline): Uncertain significance (1 of 4 stars; one submission).

Allele frequency attached by ClinVar (database versions not stated): gnomAD exomes below 0.00001; gnomAD 0.00001; TOPMed 0.00001.
gnomAD v4.1: 3 of 1,613,160 alleles (0.00019%); highest among the groups gnomAD compares: Non-Finnish European, 0.00025%; no homozygotes.

Submission:

Labcorp Genetics (formerly Invitae), Labcorp
Classification: Uncertain significance. Last evaluated: 2021-05-29. Review status: criteria provided, single submitter. Criteria: Invitae Variant Classification Sherloc (09022015). Collection method: clinical testing. Allele origin: germline.
Comment: In summary, the available evidence is currently insufficient to determine the role of this variant in disease. Therefore, it has been classified as a Variant of Uncertain Significance. Algorithms developed to predict the effect of missense changes on protein structure and function (SIFT, PolyPhen-2, Align-GVGD) all suggest that this variant is likely to be tolerated, but these predictions have not been confirmed by published functional studies and their clinical significance is uncertain. This variant has not been reported in the literature in individuals with CTR9-related conditions. This variant is not present in population databases (ExAC no frequency). This sequence change replaces threonine with serine at codon 895 of the CTR9 protein (p.Thr895Ser). The threonine residue is weakly conserved and there is a small physicochemical difference between threonine and serine.

NM_014633.5(CTR9):c.2684C>G (p.Thr895Ser)

Gene: CTR9 (CTR9 component of Paf1/RNA polymerase II complex; plus strand). Cytogenetic location: 11p15.4.
Variant type: single nucleotide variant.
Coding change: c.2684C>G on transcript NM_014633.5 (MANE Select); coding-DNA position 2684, C replaced by G.
Protein change: p.Thr895Ser; replaces threonine 895 with serine.
Molecular consequence: missense variant.
Genome position (GRCh38, 1-based): chr11:10,773,230, C>G. VCF-style: chr11-10773230-C-G. GRCh37 (hg19) VCF-style: chr11-10794777-C-G.
Other names: c.2612C>G, p.Thr871Ser (NM_001346279.2); short protein forms T895S, T871S.
Identifiers: ClinVar variation 1445650 (VCV001445650.8), dbSNP rs1194226061, ClinGen allele CA379676942.